The following is an entry in ClinVar:

NM_000307.5(POU3F4):c.*22C>G

Gene: POU3F4 (POU class 3 homeobox 4; plus strand). Cytogenetic location: Xq21.1.
Variant type: single nucleotide variant.
Coding change: c.*22C>G on transcript NM_000307.5 (MANE Select); 22 bases downstream of the stop codon, C replaced by G.
Molecular consequence: 3 prime UTR variant.
Genome position (GRCh38, 1-based): chrX:83,509,432, C>G. VCF-style: chrX-83509432-C-G. GRCh37 (hg19) VCF-style: chrX-82764440-C-G.
Identifiers: ClinVar variation 914300 (VCV000914300.6), dbSNP rs201213510, ClinGen allele CA10462831.

ClinVar aggregate classification (germline): Benign/Likely benign. Review status: criteria provided, multiple submitters, no conflicts (2 of 4 stars). 2 submissions from 2 submitters: Benign (1); Likely benign (1). Last evaluated 2021-02-03.

Conditions:
X-linked mixed hearing loss with perilymphatic gusher. Also called: Deafness, X-linked 2; Gusher syndrome; NANCE DEAFNESS; PERILYMPHATIC GUSHER-DEAFNESS SYNDROME; SENSORINEURAL DEAFNESS, PROFOUND, WITH OR WITHOUT A CONDUCTIVE COMPONENT, ASSOCIATED WITH A UNIQUE DEVELOPMENTAL ABNORMALITY OF THE EAR. Identifiers: Orphanet 383, MedGen C1844678, MONDO:0010576, OMIM 304400.

Allele frequency attached by ClinVar (database versions not stated): gnomAD 0.00009 and 0.00012; 1000 Genomes Project 30x 0.00021; 1000 Genomes Project 0.00026; TOPMed 0.00029; gnomAD exomes 0.00032; ExAC 0.00034.
gnomAD v4.1: 163 of 1,185,862 alleles (0.014%); highest among the groups gnomAD compares: East Asian, 0.44%; 1 homozygote.

Submissions (2):

GeneDx
Classification: Likely benign. Last evaluated: 2021-02-03. Review status: criteria provided, single submitter. Criteria: GeneDx Variant Classification Process June 2021. Collection method: clinical testing. Allele origin: germline. Affected: yes.

Illumina Laboratory Services, Illumina
Classification: Benign for X-linked mixed hearing loss with perilymphatic gusher. Last evaluated: 2018-01-13. Review status: criteria provided, single submitter. Criteria: ICSL Variant Classification Criteria 13 December 2019. Collection method: clinical testing. Allele origin: germline.
Comment: This variant was observed in the ICSL laboratory as part of a predisposition screen in an ostensibly healthy population. It had not been previously curated by ICSL or reported in the Human Gene Mutation Database (HGMD: prior to June 1st, 2018), and was therefore a candidate for classification through an automated scoring system. Utilizing variant allele frequency, disease prevalence and penetrance estimates, and inheritance mode, an automated score was calculated to assess if this variant is too frequent to cause the disease. Based on the score and internal cut-off values, a variant classified as benign is not then subjected to further curation. The score for this variant resulted in a classification of benign for this disease.